The following is an entry in ClinVar:

ClinVar aggregate classification (germline): Uncertain significance (1 of 4 stars; one submission).

gnomAD v4.1: 2 of 1,613,422 alleles (0.00012%); highest among the groups gnomAD compares: Non-Finnish European, 0.000085%; no homozygotes.

Submission:

GeneDx
Classification: Uncertain significance. Last evaluated: 2025-07-18. Review status: criteria provided, single submitter. Criteria: GeneDx Variant Classification Process June 2021. Collection method: clinical testing. Allele origin: germline. Affected: yes.
Comment: Not observed at significant frequency in large population cohorts (gnomAD); In silico analysis supports that this missense variant has a deleterious effect on protein structure/function; Has not been previously published as pathogenic or benign to our knowledge

NM_007118.4(TRIO):c.6223T>C (p.Tyr2075His)

Gene: TRIO (trio Rho guanine nucleotide exchange factor; plus strand). Cytogenetic location: 5p15.2.
Variant type: single nucleotide variant.
Coding change: c.6223T>C on transcript NM_007118.4 (MANE Select); coding-DNA position 6223, T replaced by C.
Protein change: p.Tyr2075His; replaces tyrosine 2075 with histidine.
Molecular consequence: missense variant. On other transcripts: non-coding transcript variant (1).
Genome position (GRCh38, 1-based): chr5:14,479,330, T>C. VCF-style: chr5-14479330-T-C. GRCh37 (hg19) VCF-style: chr5-14479439-T-C.
Other names: short protein forms Y2075H.
Identifiers: ClinVar variation 4689853 (VCV004689853.1).